The following is an entry in ClinVar:

ClinVar aggregate classification (germline): not provided (0 of 4 stars; one submission).

Conditions:
Normal pregnancy. Identifiers: MedGen C0232989.

Submission:

Institute of Molecular and Cell Biology, University of Tartu
No classification provided. Condition: Normal pregnancy. Review status: no classification provided. Collection method: case-control. Allele origin: unknown. Affected: yes. Study: Kasak2014.
Comment: The study aimed to determine the contribution of copy number variants in the genetic etiology of normal and complicated pregnancies. The samples represented (i) maternal blood DNA drawn from healthy pregnant women during 1st or 2nd trimester and (ii) maternal and paternal blood DNA drawn at term pregnancy cases representing normal and complicated gestations (severe preeclampsia, PE; gestational diabetes, GD; small-for-gestational age newborn, SGA; large-for-gestational age newborn, LGA). We performed CNV calling based on genome-wide genotyping dataset (Illumina HumanOmniExpress-24-v1 BeadChip) by applying three algorithms, QuantiSNP, GADA (Genome Alteration Detection Algorithm) and CNstream in parallel. The acquired CNV calls were merged with HD-CNV (Hotspot Detector for Copy Number Variants) program and only the CNVs predicted by at least two programs, were considered in subsequent analysis.

Literature cited by the submitters: PubMed 25666259.

NC_000004.12:g.2762363_2769047del

Gene: LOC129992059 (ATAC-STARR-seq lymphoblastoid silent region 15181; plus strand). Cytogenetic location: 4p16.3.
Variant type: Deletion.
Genome position: GRCh38: chr4:2,762,363-2,769,047. GRCh37 (hg19): chr4:2,764,090-2,770,774.
Identifiers: ClinVar variation 156907 (VCV000156907.3), ClinGen allele CA212067.